The following is an entry in ClinVar:

NM_001128840.3(CACNA1D):c.3218G>T (p.Arg1073Leu)

Gene: CACNA1D (calcium voltage-gated channel subunit alpha1 D; plus strand). Cytogenetic location: 3p21.1.
Variant type: single nucleotide variant.
Coding change: c.3218G>T on transcript NM_001128840.3 (MANE Select); coding-DNA position 3218, G replaced by T.
Protein change: p.Arg1073Leu; replaces arginine 1073 with leucine.
Molecular consequence: missense variant.
Genome position (GRCh38, 1-based): chr3:53,747,352, G>T. VCF-style: chr3-53747352-G-T. GRCh37 (hg19) VCF-style: chr3-53781379-G-T.
Other names: c.3278G>T, p.Arg1093Leu (NM_000720.4); c.3218G>T, p.Arg1073Leu (NM_001128839.3); short protein forms R1093L, R1073L.
Identifiers: ClinVar variation 3669029 (VCV003669029.2).

ClinVar aggregate classification (germline): Uncertain significance (1 of 4 stars; one submission).

gnomAD v4.1: 1 of 1,613,890 alleles (0.000062%); highest among the groups gnomAD compares: Non-Finnish European, 0.000085%; no homozygotes.

Submission:

Labcorp Genetics (formerly Invitae), Labcorp
Classification: Uncertain significance. Last evaluated: 2024-07-26. Review status: criteria provided, single submitter. Criteria: Invitae Variant Classification Sherloc (09022015). Collection method: clinical testing. Allele origin: germline.
Comment: This sequence change replaces arginine, which is basic and polar, with leucine, which is neutral and non-polar, at codon 1093 of the CACNA1D protein (p.Arg1093Leu). This variant is not present in population databases (gnomAD no frequency). This variant has not been reported in the literature in individuals affected with CACNA1D-related conditions. Advanced modeling of protein sequence and biophysical properties (such as structural, functional, and spatial information, amino acid conservation, physicochemical variation, residue mobility, and thermodynamic stability) performed at Invitae indicates that this missense variant is not expected to disrupt CACNA1D protein function with a negative predictive value of 80%. In summary, the available evidence is currently insufficient to determine the role of this variant in disease. Therefore, it has been classified as a Variant of Uncertain Significance.